The following is an entry in ClinVar:

NM_144687.4(NLRP12):c.2084C>G (p.Thr695Ser)

Gene: NLRP12 (NLR family pyrin domain containing 12; minus strand). Cytogenetic location: 19q13.42.
Variant type: single nucleotide variant.
Coding change: c.2084C>G on transcript NM_144687.4 (MANE Select); coding-DNA position 2084, C replaced by G.
Protein change: p.Thr695Ser; replaces threonine 695 with serine.
Molecular consequence: missense variant.
Genome position (GRCh38, 1-based): chr19:53,807,654, G>C on the plus strand (C>G on the coding strand, the complement: NLRP12 is on the minus strand). VCF-style: chr19-53807654-G-C. GRCh37 (hg19) VCF-style: chr19-54310908-G-C.
Other names: c.2087C>G, p.Thr696Ser (NM_001277126.2); c.2084C>G, p.Thr695Ser (NM_001277129.1); short protein forms T695S, T696S.
Identifiers: ClinVar variation 4528059 (VCV004528059.1).

ClinVar aggregate classification (germline): Uncertain significance (1 of 4 stars; one submission).

gnomAD v4.1: 2 of 1,614,144 alleles (0.00012%); highest among the groups gnomAD compares: Middle Eastern, 0.016%; no homozygotes.

Submission:

GeneDx
Classification: Uncertain significance. Last evaluated: 2025-05-06. Review status: criteria provided, single submitter. Criteria: GeneDx Variant Classification Process June 2021. Collection method: clinical testing. Allele origin: germline. Affected: yes.
Comment: Not observed at significant frequency in large population cohorts (gnomAD); In silico analysis suggests that this missense variant does not alter protein structure/function; Has not been previously published as pathogenic or benign to our knowledge